The following is an entry in ClinVar:

NM_020631.6(PLEKHG5):c.422A>G (p.His141Arg)

Gene: PLEKHG5 (pleckstrin homology and RhoGEF domain containing G5; minus strand). Cytogenetic location: 1p36.31.
Variant type: single nucleotide variant.
Coding change: c.422A>G on transcript NM_020631.6 (MANE Select); coding-DNA position 422, A replaced by G.
Protein change: p.His141Arg; replaces histidine 141 with arginine.
Molecular consequence: missense variant.
Genome position (GRCh38, 1-based): chr1:6,474,468, T>C on the plus strand (A>G on the coding strand, the complement: PLEKHG5 is on the minus strand). VCF-style: chr1-6474468-T-C. GRCh37 (hg19) VCF-style: chr1-6534528-T-C.
Other names: c.533A>G, p.His178Arg (NM_001042663.3, NM_001265592.2); c.422A>G, p.His141Arg (NM_001042664.2, NM_001042665.2, NM_001265594.3 and 1 more transcripts); c.629A>G, p.His210Arg (NM_001265593.2); short protein forms H178R, H141R, H210R.
Identifiers: ClinVar variation 947790 (VCV000947790.9), dbSNP rs371931309, ClinGen allele CA561866.

ClinVar aggregate classification (germline): Uncertain significance. Review status: criteria provided, multiple submitters, no conflicts (2 of 4 stars). 2 submissions from 2 submitters: Uncertain significance (2). Last evaluated 2022-08-13.

Conditions:
Inborn genetic diseases. Identifiers: MedGen C0950123, MeSH D030342.
Charcot-Marie-Tooth disease recessive intermediate C. Also called: CHARCOT-MARIE-TOOTH NEUROPATHY, RECESSIVE INTERMEDIATE C. Identifiers: Orphanet 369867, MedGen C3809309, MONDO:0014154, OMIM 615376.
Neuronopathy, distal hereditary motor, autosomal recessive 4. Also called: Autosomal recessive lower motor neuron disease with childhood onset; NEUROPATHY, DISTAL HEREDITARY MOTOR, AUTOSOMAL RECESSIVE 4. Identifiers: Orphanet 206580, MedGen C1970211, MONDO:0012608, OMIM 611067.

Allele frequency attached by ClinVar (database versions not stated): gnomAD 0.00001; gnomAD exomes 0.00001 and 0.00002; TOPMed 0.00002; ExAC 0.00003; ESP Exome Variant Server 0.00008.
gnomAD v4.1: 12 of 1,613,824 alleles (0.00074%); highest among the groups gnomAD compares: South Asian, 0.0011%; no homozygotes.

Submissions (2):

Labcorp Genetics (formerly Invitae), Labcorp
Classification: Uncertain significance for Neuronopathy, distal hereditary motor, autosomal recessive 4; Charcot-Marie-Tooth disease recessive intermediate C. Last evaluated: 2022-08-13. Review status: criteria provided, single submitter. Criteria: Invitae Variant Classification Sherloc (09022015). Collection method: clinical testing. Allele origin: germline.
Comment: This sequence change replaces histidine, which is basic and polar, with arginine, which is basic and polar, at codon 141 of the PLEKHG5 protein (p.His141Arg). This variant is present in population databases (rs371931309, gnomAD 0.004%). This variant has not been reported in the literature in individuals affected with PLEKHG5-related conditions. ClinVar contains an entry for this variant (Variation ID: 947790). Algorithms developed to predict the effect of missense changes on protein structure and function (SIFT, PolyPhen-2, Align-GVGD) all suggest that this variant is likely to be tolerated. In summary, the available evidence is currently insufficient to determine the role of this variant in disease. Therefore, it has been classified as a Variant of Uncertain Significance.

Ambry Genetics
Classification: Uncertain significance for Inborn genetic diseases. Last evaluated: 2022-05-27. Review status: criteria provided, single submitter. Criteria: Ambry Variant Classification Scheme 2023. Collection method: clinical testing. Allele origin: germline.